The following is an entry in ClinVar:

NM_017612.5(ZCCHC8):c.488A>G (p.Lys163Arg)

Gene: ZCCHC8 (zinc finger CCHC-type containing 8; minus strand). Cytogenetic location: 12q24.31.
Variant type: single nucleotide variant.
Coding change: c.488A>G on transcript NM_017612.5 (MANE Select); coding-DNA position 488, A replaced by G.
Protein change: p.Lys163Arg; replaces lysine 163 with arginine.
Molecular consequence: missense variant. On other transcripts: 5 prime UTR variant (2).
Genome position (GRCh38, 1-based): chr12:122,489,399, T>C on the plus strand (A>G on the coding strand, the complement: ZCCHC8 is on the minus strand). VCF-style: chr12-122489399-T-C. GRCh37 (hg19) VCF-style: chr12-122973946-T-C.
Other names: c.488A>G, p.Lys163Arg (NM_001350935.2); c.191A>G, p.Lys64Arg (NM_001350936.2); c.-57A>G (NM_001350937.2, NM_001350938.2); short protein forms K163R, K64R.
Identifiers: ClinVar variation 3652556 (VCV003652556.2).

ClinVar aggregate classification (germline): Uncertain significance (1 of 4 stars; one submission).

Submission:

Labcorp Genetics (formerly Invitae), Labcorp
Classification: Uncertain significance. Last evaluated: 2024-05-07. Review status: criteria provided, single submitter. Criteria: Invitae Variant Classification Sherloc (09022015). Collection method: clinical testing. Allele origin: germline.
Comment: This sequence change replaces lysine, which is basic and polar, with arginine, which is basic and polar, at codon 163 of the ZCCHC8 protein (p.Lys163Arg). This variant is not present in population databases (gnomAD no frequency). This variant has not been reported in the literature in individuals affected with ZCCHC8-related conditions. Advanced modeling of protein sequence and biophysical properties (such as structural, functional, and spatial information, amino acid conservation, physicochemical variation, residue mobility, and thermodynamic stability) performed at Invitae indicates that this missense variant is not expected to disrupt ZCCHC8 protein function with a negative predictive value of 80%. In summary, the available evidence is currently insufficient to determine the role of this variant in disease. Therefore, it has been classified as a Variant of Uncertain Significance.